The following is an entry in ClinVar:

ClinVar aggregate classification (germline): Uncertain significance (1 of 4 stars; one submission).

Conditions:
Inborn genetic diseases. Identifiers: MedGen C0950123, MeSH D030342.

Submission:

Ambry Genetics
Classification: Uncertain significance for Inborn genetic diseases. Last evaluated: 2026-07-02. Review status: criteria provided, single submitter. Criteria: Ambry Variant Classification Scheme 2023. Collection method: clinical testing. Allele origin: germline.
Comment: The p.L1373V variant (also known as c.4117C>G), located in coding exon 20 of the ATP7B gene, results from a C to G substitution at nucleotide position 4117. The leucine at codon 1373 is replaced by valine, an amino acid with highly similar properties. This amino acid position is conserved. In addition, this alteration is predicted to be deleterious by in silico analysis. Based on the available evidence, the clinical significance of this variant remains unclear.

NM_000053.4(ATP7B):c.4117C>G (p.Leu1373Val)

Gene: ATP7B (ATPase copper transporting beta; minus strand). Cytogenetic location: 13q14.3.
Variant type: single nucleotide variant.
Coding change: c.4117C>G on transcript NM_000053.4 (MANE Select); coding-DNA position 4117, C replaced by G.
Protein change: p.Leu1373Val; replaces leucine 1373 with valine.
Molecular consequence: missense variant.
Genome position (GRCh38, 1-based): chr13:51,935,600, G>C on the plus strand (C>G on the coding strand, the complement: ATP7B is on the minus strand). VCF-style: chr13-51935600-G-C. GRCh37 (hg19) VCF-style: chr13-52509736-G-C.
Other names: c.3973C>G, p.Leu1325Val (NM_001406520.1, NM_001406521.1, NM_001406522.1); c.3934C>G, p.Leu1312Val (NM_001406523.1); c.3940C>G, p.Leu1314Val (NM_001406524.1); c.3922C>G, p.Leu1308Val (NM_001406525.1); c.3913C>G, p.Leu1305Val (NM_001406526.1); c.3883C>G, p.Leu1295Val (NM_001406527.1, NM_001406528.1, NM_001330578.2); c.3877C>G, p.Leu1293Val (NM_001406530.1); c.3865C>G, p.Leu1289Val (NM_001406531.1, NM_001406532.1, NM_001330579.2); and 21 more; short protein forms L1263V, L1277V, L1308V, L1312V, L1325V, L1355V, L1146V, L1179V.
Identifiers: ClinVar variation 5032377 (VCV005032377.1).